The following is an entry in ClinVar:

ClinVar aggregate classification (germline): Uncertain significance (1 of 4 stars; one submission).

Submission:

GeneDx
Classification: Uncertain significance. Last evaluated: 2026-03-08. Review status: criteria provided, single submitter. Criteria: GeneDx Variant Classification Process June 2021. Collection method: clinical testing. Allele origin: germline.
Comment: Not observed at significant frequency in large population cohorts (gnomAD); In silico analysis supports that this missense variant has a deleterious effect on protein structure/function; Has not been previously published as pathogenic or benign to our knowledge; Does not affect a cysteine or calcium-binding residue within an EGF-like domain or a TGF-binding protein domain of the FBN1 gene; cysteine substitutions in the EGF-like domains represent the majority of pathogenic missense changes associated with FBN1-related disorders (PMID: 12938084); This variant is associated with the following publications: (PMID: 12938084)

NM_000138.5(FBN1):c.6203G>T (p.Gly2068Val)

Gene: FBN1 (fibrillin 1; minus strand). Cytogenetic location: 15q21.1.
Variant type: single nucleotide variant.
Coding change: c.6203G>T on transcript NM_000138.5 (MANE Select); coding-DNA position 6203, G replaced by T.
Protein change: p.Gly2068Val; replaces glycine 2068 with valine.
Molecular consequence: missense variant.
Genome position (GRCh38, 1-based): chr15:48,437,878, C>A on the plus strand (G>T on the coding strand, the complement: FBN1 is on the minus strand). VCF-style: chr15-48437878-C-A. GRCh37 (hg19) VCF-style: chr15-48730075-C-A.
Other names: c.6203G>T, p.Gly2068Val (NM_001406716.1); short protein forms G2068V.
Identifiers: ClinVar variation 5008814 (VCV005008814.1).